The following is an entry in ClinVar:

NM_058216.3(RAD51C):c.4C>G (p.Arg2Gly)

Gene: RAD51C (RAD51 paralog C; plus strand). Cytogenetic location: 17q22.
Variant type: single nucleotide variant.
Coding change: c.4C>G on transcript NM_058216.3 (MANE Select); coding-DNA position 4, C replaced by G.
Protein change: p.Arg2Gly; replaces arginine 2 with glycine.
Molecular consequence: missense variant. On other transcripts: non-coding transcript variant (2).
Genome position (GRCh38, 1-based): chr17:58,692,647, C>G. VCF-style: chr17-58692647-C-G. GRCh37 (hg19) VCF-style: chr17-56770008-C-G.
Other names: c.4C>G, p.Arg2Gly (NM_002876.4); short protein forms R2G.
Identifiers: ClinVar variation 548876 (VCV000548876.22), dbSNP rs758029117, ClinGen allele CA400336071.
Genomic context (GRCh38, chr17:58,692,647, plus strand): 5'-CGCCCCAGCGAGGGCGTGCGGAGTTTGGCTGCTCCGGGGTTAGCAGGTGAGCCTGCGATG[C>G]GCGGGAAGACGTTCCGCTTTGAAATGCAGCGGGATTTGGTGAGTTTCCCGCTGTCTCCAG-3'
Protein context (NP_478123.1, residues 1-12): M[Arg2Gly]GKTFRFEMQR

ClinVar aggregate classification (germline): Conflicting classifications of pathogenicity. Review status: criteria provided, conflicting classifications (1 of 4 stars). 7 submissions from 7 submitters: Uncertain significance (4); Benign (1). 2 of the submissions do not count toward it. Last evaluated 2025-06-01.

Conditions:
Breast-ovarian cancer, familial, susceptibility to, 3. Also called: RAD51C-Related Breast/Ovarian Cancer. Identifiers: Orphanet 145, MedGen C3150659, MONDO:0013253, OMIM 613399.
Fanconi anemia complementation group O. Also called: RAD51C-Related Fanconi Anemia. Identifiers: Orphanet 84, MedGen C3150653, MONDO:0013248, OMIM 613390.
Hereditary cancer-predisposing syndrome. Also called: Neoplastic Syndromes, Hereditary; Hereditary neoplastic syndrome; Tumor predisposition; Hereditary Cancer Syndrome. Identifiers: Orphanet 140162, MedGen C0027672, MeSH D009386, MONDO:0015356.

gnomAD v4.1: 6 of 1,614,116 alleles (0.00037%); highest among the groups gnomAD compares: Admixed American, 0.0017%; no homozygotes.

Submissions (7):

Labcorp Genetics (formerly Invitae), Labcorp
Classification: Uncertain significance for Fanconi anemia complementation group O. Last evaluated: 2025-06-01. Review status: criteria provided, single submitter. Criteria: Invitae Variant Classification Sherloc (09022015). Collection method: clinical testing. Allele origin: germline.
Comment: This sequence change replaces arginine, which is basic and polar, with glycine, which is neutral and non-polar, at codon 2 of the RAD51C protein (p.Arg2Gly). This variant is present in population databases (no rsID available, gnomAD 0.003%). This missense change has been observed in individual(s) with breast cancer (PMID: 21597919). ClinVar contains an entry for this variant (Variation ID: 548876). An algorithm developed to predict the effect of missense changes on protein structure and function outputs the following: PolyPhen-2: "Benign". The glycine amino acid residue is found in multiple mammalian species, which suggests that this missense change does not adversely affect protein function. In summary, the available evidence is currently insufficient to determine the role of this variant in disease. Therefore, it has been classified as a Variant of Uncertain Significance.

Ambry Genetics
Classification: Benign for Hereditary cancer-predisposing syndrome. Last evaluated: 2024-05-16. Review status: criteria provided, single submitter. Criteria: Ambry Variant Classification Scheme 2023. Collection method: clinical testing. Allele origin: germline.

Myriad Genetics, Inc.
Classification: Uncertain significance for Breast-ovarian cancer, familial, susceptibility to, 3. Last evaluated: 2023-04-05. Review status: criteria provided, single submitter. Criteria: Myriad Autosomal Dominant, Autosomal Recessive and X-Linked Classification Criteria (2023). Collection method: clinical testing. Allele origin: unknown.
Comment: This variant is classified as a variant of uncertain significance as there is insufficient evidence to determine its impact on protein function and/or cancer risk.

Color Diagnostics, LLC DBA Color Health
Classification: Uncertain significance for Hereditary cancer-predisposing syndrome. Last evaluated: 2022-09-06. Review status: criteria provided, single submitter. Criteria: ACMG Guidelines, 2015. Collection method: clinical testing. Allele origin: germline.
Comment: This missense variant replaces arginine with glycine at codon 2 of the RAD51C protein. Computational prediction suggests that this variant may not impact protein structure and function (internally defined REVEL score threshold <= 0.5, PMID: 27666373). To our knowledge, functional studies have not been reported for this variant. This variant has been reported in an individual affected with familial breast cancer (PMID: 21597919). This variant has been identified in 1/251270 chromosomes in the general population by the Genome Aggregation Database (gnomAD). The available evidence is insufficient to determine the role of this variant in disease conclusively. Therefore, this variant is classified as a Variant of Uncertain Significance.

Quest Diagnostics Nichols Institute San Juan Capistrano
Classification: Uncertain significance. Last evaluated: 2018-10-11. Review status: criteria provided, single submitter. Criteria: Quest Diagnostics criteria. Collection method: clinical testing. Allele origin: germline.

Counsyl
Classification: Uncertain significance for Fanconi anemia complementation group O; Breast-ovarian cancer, familial, susceptibility to, 3. Last evaluated: 2018-03-30. Review status: no assertion criteria provided. Collection method: clinical testing. Allele origin: unknown. Not counted in ClinVar's aggregate classification.

Leiden Open Variation Database
Classification: Uncertain significance. Last evaluated: 2014-11-02. Review status: no assertion criteria provided. Collection method: curation. Allele origin: germline. Affected: yes. Not counted in ClinVar's aggregate classification.
Comment: Curator: Arleen D. Auerbach. Submitter to LOVD: Johan den Dunnen.

Literature cited by the submitters: PubMed 21597919 (cited by 6 submitters); PubMed 37253112 (cited by Ambry Genetics); PubMed 28829762 (cited by Quest Diagnostics Nichols Institute San Juan Capistrano and Counsyl); PubMed 25086635 (cited by Quest Diagnostics Nichols Institute San Juan Capistrano).